The following is an entry in ClinVar:

ClinVar aggregate classification (germline): Benign. Review status: criteria provided, multiple submitters, no conflicts (2 of 4 stars). 8 submissions from 7 submitters: Benign (6). 2 of the submissions do not count toward it. Last evaluated 2021-07-30.

Conditions:
Ullrich congenital muscular dystrophy 1A. Also called: Ullrich congenital muscular dystrophy 1; Intermediate COL6-RD. Identifiers: Orphanet 75840, MedGen C0410179, MONDO:0009681, OMIM 254090.
Bethlem myopathy 1A. Also called: Bethlem myopathy 1; Bethlem Muscular Dystrophy; MYOPATHY, BENIGN CONGENITAL, WITH CONTRACTURES. Identifiers: Orphanet 610, MedGen CN029274, MONDO:0024530, OMIM 158810.

Allele frequency attached by ClinVar (database versions not stated): gnomAD exomes 0.85969 and 0.86140; gnomAD 0.87918 and 0.88231; ExAC 0.85892; ESP Exome Variant Server 0.87904; 1000 Genomes Project 0.87141; 1000 Genomes Project 30x 0.87555; TOPMed 0.88320.
gnomAD v4.1: 1,353,761 of 1,571,902 alleles (86%); highest among the groups gnomAD compares: African/African-American, 92%; 583,855 homozygotes.

Submissions (8):

Genome-Nilou Lab
Classification: Benign for Bethlem myopathy 1A. Last evaluated: 2021-07-30. Review status: criteria provided, single submitter. Criteria: ACMG Guidelines, 2015. Collection method: clinical testing. Allele origin: germline. Affected: no.

Genome-Nilou Lab
Classification: Benign for Ullrich congenital muscular dystrophy 1A. Last evaluated: 2021-07-30. Review status: criteria provided, single submitter. Criteria: ACMG Guidelines, 2015. Collection method: clinical testing. Allele origin: germline. Affected: no.

GeneDx
Classification: Benign. Last evaluated: 2018-06-14. Review status: criteria provided, single submitter. Criteria: GeneDx Variant Classification (06012015). Collection method: clinical testing. Allele origin: germline. Affected: yes.
Comment: This variant is considered likely benign or benign based on one or more of the following criteria: it is a conservative change, it occurs at a poorly conserved position in the protein, it is predicted to be benign by multiple in silico algorithms, and/or has population frequency not consistent with disease.

Eurofins Ntd Llc (ga)
Classification: Benign. Last evaluated: 2012-08-27. Review status: criteria provided, single submitter. Criteria: EGL Classification Definitions 2015. Collection method: clinical testing. Allele origin: germline. Observed: 53 variant alleles, 10 heterozygotes, 43 homozygotes.

Breakthrough Genomics
Classification: Benign. Review status: criteria provided, single submitter. Criteria: ACMG Guidelines, 2015. Collection method: not provided. Allele origin: germline. Inheritance: Autosomal recessive inheritance. Affected: yes.

PreventionGenetics, part of Exact Sciences
Classification: Benign. Review status: criteria provided, single submitter. Criteria: ACMG Guidelines, 2015. Collection method: clinical testing. Allele origin: germline.

Clinical Genetics, Academic Medical Center
Classification: Benign. Review status: no assertion criteria provided. Collection method: clinical testing. Allele origin: germline. Affected: yes. Study: VKGL Data-share Consensus. Not counted in ClinVar's aggregate classification.

Genome Diagnostics Laboratory, University Medical Center Utrecht
Classification: Benign. Review status: no assertion criteria provided. Collection method: clinical testing. Allele origin: germline. Affected: yes. Study: VKGL Data-share Consensus. Not counted in ClinVar's aggregate classification.

NM_001848.3(COL6A1):c.1335+27A>C

Gene: COL6A1 (collagen type VI alpha 1 chain; plus strand). Cytogenetic location: 21q22.3.
Variant type: single nucleotide variant.
Coding change: c.1335+27A>C on transcript NM_001848.3 (MANE Select); 27 bases into the intron after coding-DNA position 1335, A replaced by C.
Molecular consequence: intron variant.
Genome position (GRCh38, 1-based): chr21:45,992,837, A>C. VCF-style: chr21-45992837-A-C. GRCh37 (hg19) VCF-style: chr21-47412751-A-C.
Identifiers: ClinVar variation 93811 (VCV000093811.11), dbSNP rs2850173, ClinGen allele CA147322.
Genomic context (GRCh38, chr21:45,992,837, plus strand): 5'-GACCCCAGGCACGCGGGGACCAAGAGGAGACCCTGTGAGTCACAGTTCCTGGAGCTGGGA[A>C]CCACCCCAGGAAGGGGCAGGCGGAGGCTGGGGCTGGGTCAGGCCTCCAGAGCCACAGGAC-3'